The following is an entry in ClinVar:

ClinVar aggregate classification (germline): Uncertain significance (1 of 4 stars; one submission).

Conditions:
Gorlin syndrome. Also called: Nevoid Basal Cell Carcinoma Syndrome; Basal cell nevus syndrome. Identifiers: Orphanet 377, MedGen C0004779, MONDO:0007187.

Submission:

Labcorp Genetics (formerly Invitae), Labcorp
Classification: Uncertain significance for Gorlin syndrome. Last evaluated: 2025-07-30. Review status: criteria provided, single submitter. Criteria: Invitae Variant Classification Sherloc (09022015). Collection method: clinical testing. Allele origin: germline.
Comment: This sequence change replaces arginine, which is basic and polar, with glycine, which is neutral and non-polar, at codon 187 of the PTCH1 protein (p.Arg187Gly). This variant is not present in population databases (gnomAD no frequency). This variant has not been reported in the literature in individuals affected with PTCH1-related conditions. ClinVar contains an entry for this variant (Variation ID: 3701477). Invitae Evidence Modeling of protein sequence and biophysical properties (such as structural, functional, and spatial information, amino acid conservation, physicochemical variation, residue mobility, and thermodynamic stability) has been performed for this missense variant. However, the output from this modeling did not meet the statistical confidence thresholds required to predict the impact of this variant on PTCH1 protein function. In summary, the available evidence is currently insufficient to determine the role of this variant in disease. Therefore, it has been classified as a Variant of Uncertain Significance.

NM_000264.5(PTCH1):c.559C>G (p.Arg187Gly)

Gene: PTCH1 (patched 1; minus strand). Cytogenetic location: 9q22.32.
Variant type: single nucleotide variant.
Coding change: c.559C>G on transcript NM_000264.5 (MANE Select); coding-DNA position 559, C replaced by G.
Protein change: p.Arg187Gly; replaces arginine 187 with glycine.
Molecular consequence: missense variant. On other transcripts: non-coding transcript variant (1).
Genome position (GRCh38, 1-based): chr9:95,485,710, G>C on the plus strand (C>G on the coding strand, the complement: PTCH1 is on the minus strand). VCF-style: chr9-95485710-G-C. GRCh37 (hg19) VCF-style: chr9-98247992-G-C.
Other names: c.361C>G, p.Arg121Gly (NM_001083602.3, NM_001354919.2); c.556C>G, p.Arg186Gly (NM_001083603.3); c.106C>G, p.Arg36Gly (NM_001083604.3, NM_001083605.3, NM_001083606.3 and 1 more transcripts); c.559C>G, p.Arg187Gly (NM_001354918.2); short protein forms R186G, R36G, R121G, R187G.
Identifiers: ClinVar variation 3701477 (VCV003701477.2).
Genomic context (GRCh38, chr9:95,485,710, plus strand): 5'-GCTGCTCATTAGTAGGTGGACGCGGCGGGCCTTACCTGTTGTACATGTATACATGGACAC[G>C]GCTGGCCTGGAGTGCCGAGTCCAGGTGTTGTAGGAGCGCTTCTGTGGTCAGGACATTAGC-3'
Protein context (NP_000255.2, residues 177-197): QHLDSALQAS[Arg187Gly]VHVYMYNRQW